The following is an entry in ClinVar:

ClinVar aggregate classification (germline): Pathogenic (1 of 4 stars; one submission).

Submission:

GeneDx
Classification: Pathogenic. Last evaluated: 2023-02-27. Review status: criteria provided, single submitter. Criteria: GeneDx Variant Classification Process June 2021. Collection method: clinical testing. Allele origin: germline. Affected: yes.
Comment: Nonsense variant predicted to result in protein truncation or nonsense mediated decay in a gene for which loss of function is a known mechanism of disease; Not observed at significant frequency in large population cohorts (gnomAD); Truncating variants in this gene are considered pathogenic by a well-established clinical consortium and/or database; Has not been previously published as pathogenic or benign to our knowledge

NM_000051.4(ATM):c.3829G>T (p.Glu1277Ter)

Gene: ATM (ATM serine/threonine kinase; plus strand). Cytogenetic location: 11q22.3.
Variant type: single nucleotide variant.
Coding change: c.3829G>T on transcript NM_000051.4 (MANE Select); coding-DNA position 3829, G replaced by T.
Protein change: p.Glu1277Ter; replaces glutamic acid 1277 with a stop codon.
Molecular consequence: nonsense.
Genome position (GRCh38, 1-based): chr11:108,284,309, G>T. VCF-style: chr11-108284309-G-T. GRCh37 (hg19) VCF-style: chr11-108155036-G-T.
Other names: c.3829G>T, p.Glu1277Ter (NM_001351834.2); short protein forms E1277*.
Identifiers: ClinVar variation 2578310 (VCV002578310.1), dbSNP rs1591645689, ClinGen allele CA382524947.